The following is an entry in ClinVar:

NM_152783.5(D2HGDH):c.1127A>G (p.Gln376Arg)

Gene: D2HGDH (D-2-hydroxyglutarate dehydrogenase; plus strand). Cytogenetic location: 2q37.3.
Variant type: single nucleotide variant.
Coding change: c.1127A>G on transcript NM_152783.5 (MANE Select); coding-DNA position 1127, A replaced by G.
Protein change: p.Gln376Arg; replaces glutamine 376 with arginine.
Molecular consequence: missense variant.
Genome position (GRCh38, 1-based): chr2:241,751,375, A>G. VCF-style: chr2-241751375-A-G. GRCh37 (hg19) VCF-style: chr2-242690790-A-G.
Other names: c.725A>G, p.Gln242Arg (NM_001287249.2); c.566A>G, p.Gln189Arg (NM_001352824.2); short protein forms Q189R, Q376R, Q242R.
Identifiers: ClinVar variation 648621 (VCV000648621.10), dbSNP rs1575286670, ClinGen allele CA351408862.

ClinVar aggregate classification (germline): Uncertain significance (1 of 4 stars; one submission).

Conditions:
D-2-hydroxyglutaric aciduria 1 (D2HGA1). Identifiers: Orphanet 79315, MedGen C3152055, MONDO:0024554, OMIM 600721.

Submission:

Labcorp Genetics (formerly Invitae), Labcorp
Classification: Uncertain significance for D-2-hydroxyglutaric aciduria 1. Last evaluated: 2019-02-22. Review status: criteria provided, single submitter. Criteria: Invitae Variant Classification Sherloc (09022015). Collection method: clinical testing. Allele origin: germline.
Comment: This sequence change replaces glutamine with arginine at codon 376 of the D2HGDH protein (p.Gln376Arg). The glutamine residue is weakly conserved and there is a small physicochemical difference between glutamine and arginine. This variant is not present in population databases (ExAC no frequency). In summary, the available evidence is currently insufficient to determine the role of this variant in disease. Therefore, it has been classified as a Variant of Uncertain Significance. This variant has not been reported in the literature in individuals with D2HGDH-related conditions. Algorithms developed to predict the effect of missense changes on protein structure and function (SIFT, PolyPhen-2, Align-GVGD) all suggest that this variant is likely to be tolerated, but these predictions have not been confirmed by published functional studies and their clinical significance is uncertain.